The following is an entry in ClinVar:

ClinVar aggregate classification (germline): Benign. Review status: criteria provided, single submitter (1 of 4 stars). 2 submissions from 2 submitters: Benign (1). 1 of the submissions does not count toward it. Last evaluated 2022-05-01.

Conditions:
SETD1B-related disorder. Also called: SETD1B-related condition.

Allele frequency attached by ClinVar (database versions not stated): gnomAD exomes 0.00005; ExAC 0.00020; TOPMed 0.00052; gnomAD 0.00055; 1000 Genomes Project 30x 0.00078; ESP Exome Variant Server 0.00088; 1000 Genomes Project 0.00100.

Submissions (2):

CeGaT Center for Human Genetics Tuebingen
Classification: Benign. Last evaluated: 2022-05-01. Review status: criteria provided, single submitter. Criteria: CeGaT Center For Human Genetics Tuebingen Variant Classification Criteria Version 2. Collection method: clinical testing. Allele origin: germline. Affected: yes. Observed: 1 variant allele.
Comment: SETD1B: BS1, BS2

PreventionGenetics, part of Exact Sciences
Classification: Likely benign for SETD1B-related condition. Last evaluated: 2022-06-17. Review status: no assertion criteria provided. Collection method: clinical testing. Allele origin: germline. Not counted in ClinVar's aggregate classification.
Comment: This variant is classified as likely benign based on ACMG/AMP sequence variant interpretation guidelines (Richards et al. 2015 PMID: 25741868, with internal and published modifications).

NM_001353345.2(SETD1B):c.3736C>T (p.Arg1246Trp)

Gene: SETD1B (SET domain containing 1B, histone lysine methyltransferase; plus strand). Cytogenetic location: 12q24.31.
Variant type: single nucleotide variant.
Coding change: c.3736C>T on transcript NM_001353345.2 (MANE Select); coding-DNA position 3736, C replaced by T.
Protein change: p.Arg1246Trp; replaces arginine 1246 with tryptophan.
Molecular consequence: missense variant.
Genome position (GRCh38, 1-based): chr12:121,819,721, C>T. VCF-style: chr12-121819721-C-T. GRCh37 (hg19) VCF-style: chr12-122257627-C-T.
Other names: NM_015048.1:c.3607C>T; short protein forms R1246W.
Identifiers: ClinVar variation 2643466 (VCV002643466.25), dbSNP rs370096455, ClinGen allele CA6839106.
Genomic context (GRCh38, chr12:121,819,721, plus strand): 5'-GACTCGTTGGGCATGGAAGAGGAGGTGGACATCGAGACTGAGGCTGTGGCCCCTGAGGAG[C>T]GGCCCTCCATGCTGGACGAGCCCCCCTTGCCTGTGGGTGTTGAAGAGCCAGCGGACTCCA-3'
Protein context (NP_001340274.1, residues 1236-1256): IETEAVAPEE[Arg1246Trp]PSMLDEPPLP